The following is an entry in ClinVar:

NC_000007.14:g.(?_120856698)_(120856763_?)del

Gene: TSPAN12 (tetraspanin 12; minus strand). Cytogenetic location: 7q31.31.
Variant type: Deletion.
Identifiers: ClinVar variation 832120 (VCV000832120.5).

ClinVar aggregate classification (germline): Pathogenic (1 of 4 stars; one submission).

Submission:

Labcorp Genetics (formerly Invitae), Labcorp
Classification: Pathogenic. Last evaluated: 2019-09-26. Review status: criteria provided, single submitter. Criteria: Invitae Variant Classification Sherloc (09022015). Collection method: clinical testing. Allele origin: germline.
Comment: For these reasons, this variant has been classified as Pathogenic. Loss-of-function variants in TSPAN12 are known to be pathogenic (PMID: 20159112, 21334594). This variant has not been reported in the literature in individuals with TSPAN12-related conditions. This variant is a gross deletion of the genomic region encompassing exon 2 of the TSPAN12 gene, which includes the initiator codon. The 5' end of this event is unknown as it extends beyond the assayed region for this gene and therefore may encompass additional genes. The 3' boundary is likely confined to intron 2 of the TSPAN12 gene. This is expected to result in an absent or disrupted protein product.

Literature cited by the submitters: PubMed 20159112; PubMed 21334594.